The following is an entry in ClinVar:

ClinVar aggregate classification (germline): Uncertain significance. Review status: criteria provided, multiple submitters, no conflicts (2 of 4 stars). 2 submissions from 2 submitters: Uncertain significance (2). Last evaluated 2025-12-17.

Conditions:
Inborn genetic diseases. Identifiers: MedGen C0950123, MeSH D030342.

gnomAD v4.1: 31 of 1,388,350 alleles (0.0022%); highest among the groups gnomAD compares: South Asian, 0.045%; no homozygotes.

Submissions (2):

Ambry Genetics
Classification: Uncertain significance for Inborn genetic diseases. Last evaluated: 2025-12-17. Review status: criteria provided, single submitter. Criteria: Ambry Variant Classification Scheme 2023. Collection method: clinical testing. Allele origin: germline.

Labcorp Genetics (formerly Invitae), Labcorp
Classification: Uncertain significance. Last evaluated: 2024-08-21. Review status: criteria provided, single submitter. Criteria: Invitae Variant Classification Sherloc (09022015). Collection method: clinical testing. Allele origin: germline.
Comment: This sequence change replaces glycine, which is neutral and non-polar, with alanine, which is neutral and non-polar, at codon 221 of the CDK13 protein (p.Gly221Ala). This variant is present in population databases (rs564002120, gnomAD 0.2%). This variant has not been reported in the literature in individuals affected with CDK13-related conditions. Invitae Evidence Modeling of protein sequence and biophysical properties (such as structural, functional, and spatial information, amino acid conservation, physicochemical variation, residue mobility, and thermodynamic stability) indicates that this missense variant is not expected to disrupt CDK13 protein function with a negative predictive value of 95%. In summary, the available evidence is currently insufficient to determine the role of this variant in disease. Therefore, it has been classified as a Variant of Uncertain Significance.

NM_003718.5(CDK13):c.662G>C (p.Gly221Ala)

Gene: CDK13 (cyclin dependent kinase 13; plus strand). Cytogenetic location: 7p14.1.
Variant type: single nucleotide variant.
Coding change: c.662G>C on transcript NM_003718.5 (MANE Select); coding-DNA position 662, G replaced by C.
Protein change: p.Gly221Ala; replaces glycine 221 with alanine.
Molecular consequence: missense variant.
Genome position (GRCh38, 1-based): chr7:39,951,303, G>C. VCF-style: chr7-39951303-G-C. GRCh37 (hg19) VCF-style: chr7-39990902-G-C.
Other names: c.662G>C, p.Gly221Ala (NM_031267.4); short protein forms G221A.
Identifiers: ClinVar variation 3627334 (VCV003627334.3).
Genomic context (GRCh38, chr7:39,951,303, plus strand): 5'-ACCGCCGCAGCAGCAGTGGCCGCAGCAAGGAGCGCCACCGCGAGCACCGGCGGCGGGATG[G>C]GCAGCGCGGTGGCAGCGAGGCCTCCAAGTCCCGCAGCCGCCACAGCCACAGCGGCGAGGA-3'
Protein context (NP_003709.3, residues 211-231): ERHREHRRRD[Gly221Ala]QRGGSEASKS